The following is an entry in ClinVar:

ClinVar aggregate classification (germline): Likely benign (1 of 4 stars; one submission).

Allele frequency attached by ClinVar (database versions not stated): gnomAD exomes below 0.00001; TOPMed 0.00001; ExAC 0.00002; gnomAD 0.00003; 1000 Genomes Project 0.00026; 1000 Genomes Project 30x 0.00042.
gnomAD v4.1: 5 of 1,208,203 alleles (0.00041%); highest among the groups gnomAD compares: African/African-American, 0.0035%; no homozygotes.

Submission:

CeGaT Center for Human Genetics Tuebingen
Classification: Likely benign. Last evaluated: 2023-03-01. Review status: criteria provided, single submitter. Criteria: CeGaT Center For Human Genetics Tuebingen Variant Classification Criteria Version 2. Collection method: clinical testing. Allele origin: germline. Affected: yes. Observed: 1 variant allele.
Comment: USP26: BP4, BP7

NM_031907.3(USP26):c.39G>A (p.Gly13=)

Gene: USP26 (ubiquitin specific peptidase 26; minus strand). Cytogenetic location: Xq26.2.
Variant type: single nucleotide variant.
Coding change: c.39G>A on transcript NM_031907.3 (MANE Select); coding-DNA position 39, G replaced by A.
Protein change: p.Gly13=; no amino-acid change (glycine 13 retained).
Molecular consequence: synonymous variant.
Genome position (GRCh38, 1-based): chrX:133,028,182, C>T on the plus strand (G>A on the coding strand, the complement: USP26 is on the minus strand). VCF-style: chrX-133028182-C-T. GRCh37 (hg19) VCF-style: chrX-132162210-C-T.
Identifiers: ClinVar variation 2661464 (VCV002661464.24), dbSNP rs187171762, ClinGen allele CA10520059.